The following is an entry in ClinVar:

NM_001369.3(DNAH5):c.4019_4020insCTGTCTCTTATAC (p.Gln1340fs)

Genes: DNAH5 (dynein axonemal heavy chain 5; minus strand), DNAH5-AS1 (DNAH5 antisense RNA 1; plus strand). Cytogenetic location: 5p15.2.
Variant type: Insertion.
Coding change: c.4019_4020insCTGTCTCTTATAC on transcript NM_001369.3 (MANE Select); coding-DNA positions 4019 to 4020, CTGTCTCTTATAC inserted.
Protein change: p.Gln1340fs; shifts the reading frame from glutamine 1340.
Molecular consequence: frameshift variant.
Genome position: GRCh38 VCF-style: chr5-13867807-T-TGTATAAGAGACAG. GRCh37 (hg19) VCF-style: chr5-13867916-T-TGTATAAGAGACAG.
Other names: short protein forms Q1340fs.
Identifiers: ClinVar variation 5010870 (VCV005010870.1).

ClinVar aggregate classification (germline): Pathogenic (1 of 4 stars; one submission).

Conditions:
Primary ciliary dyskinesia 3. Identifiers: Orphanet 244, MedGen C1837618, MONDO:0012085, OMIM 608644.

Submission:

Myriad Genetics, Inc.
Classification: Pathogenic for Primary ciliary dyskinesia 3. Last evaluated: 2024-05-14. Review status: criteria provided, single submitter. Criteria: Myriad Autosomal Dominant, Autosomal Recessive and X-Linked Classification Criteria (2023). Collection method: clinical testing. Allele origin: unknown.
Comment: NM_001369.2(DNAH5):c.4019_4020ins13(Q1340Hfs*15) is expected to be pathogenic in the context of primary ciliary dyskinesia, DNAH5-related. This variant is predicted to lead to an abnormal or absent protein product due to the creation of a premature termination codon in DNAH5, a gene where loss-of-function variants are known to be pathogenic. Please note: this variant was assessed in the context of healthy population screening.